The following is an entry in ClinVar:

NC_000014.8:g.(?_35465916)_(35488300_?)dup

Gene: SRP54 (signal recognition particle 54; plus strand). Cytogenetic location: 14q13.2.
Variant type: Duplication.
Identifiers: ClinVar variation 3244086 (VCV003244086.1).

ClinVar aggregate classification (germline): Uncertain significance (1 of 4 stars; one submission).

Submission:

Labcorp Genetics (formerly Invitae), Labcorp
Classification: Uncertain significance. Last evaluated: 2023-03-20. Review status: criteria provided, single submitter. Criteria: Invitae Variant Classification Sherloc (09022015). Collection method: clinical testing. Allele origin: unknown.
Comment: In summary, the available evidence is currently insufficient to determine the role of this variant in disease. Therefore, it has been classified as a Variant of Uncertain Significance. Experimental studies and prediction algorithms are not available or were not evaluated, and the functional significance of this variant is currently unknown. A similar copy number variant has been observed in at least one individual who was not affected with SRP54-related conditions (Invitae). This variant has not been reported in the literature in individuals affected with SRP54-related conditions. This variant results in a copy number gain of the genomic region encompassing exon(s) 2-13 of the SRP54 gene. This region includes the initiator codon of the gene. This copy number gain extends beyond the assayed region for this gene and therefore may encompass additional genes. As the precise location of this event is unknown, it may be in tandem or it may be located elsewhere in the genome.